The following is an entry in ClinVar:

NM_002107.7(H3-3A):c.380del (p.Leu127fs)

Gene: H3-3A (H3.3 histone A; plus strand). Cytogenetic location: 1q42.12.
Variant type: Deletion.
Coding change: c.380del on transcript NM_002107.7 (MANE Select); coding-DNA position 380, one base deleted (T; older notation c.380delT).
Protein change: p.Leu127fs; shifts the reading frame from leucine 127.
Molecular consequence: frameshift variant.
Genome position (GRCh38, 1-based): chr1:226,071,448, T deleted. VCF-style (leftmost placement, unchanged base first): chr1-226071447-CT-C. GRCh37 (hg19) VCF-style: chr1-226259148-CT-C.
Other names: c.380del, p.Leu127fs (NM_001379043.1, NM_001379045.1, NM_001379046.1 and 1 more transcripts); short protein forms L127fs.
Identifiers: ClinVar variation 2136146 (VCV002136146.1), dbSNP rs2527655184, ClinGen allele CA2580062239.

ClinVar aggregate classification (germline): Uncertain significance (1 of 4 stars; one submission).

Submission:

GeneDx
Classification: Uncertain significance. Last evaluated: 2022-07-19. Review status: criteria provided, single submitter. Criteria: GeneDx Variant Classification Process June 2021. Collection method: clinical testing. Allele origin: germline. Affected: yes.
Comment: Not observed at significant frequency in large population cohorts (gnomAD); Frameshift variant predicted to result in protein truncation as the last 10 amino acids are replaced with 14 different amino acids, although loss-of-function variants have not been reported downstream of this position in the protein; Has not been previously published as pathogenic or benign to our knowledge